The following is an entry in ClinVar:

NM_005751.5(AKAP9):c.6002T>C (p.Leu2001Ser)

Gene: AKAP9 (A-kinase anchoring protein 9; plus strand). Cytogenetic location: 7q21.2.
Variant type: single nucleotide variant.
Coding change: c.6002T>C on transcript NM_005751.5 (MANE Select); coding-DNA position 6002, T replaced by C.
Protein change: p.Leu2001Ser; replaces leucine 2001 with serine.
Molecular consequence: missense variant.
Genome position (GRCh38, 1-based): chr7:92,065,255, T>C. VCF-style: chr7-92065255-T-C. GRCh37 (hg19) VCF-style: chr7-91694569-T-C.
Other names: c.647T>C, p.Leu216Ser (NM_001379277.1); c.6002T>C, p.Leu2001Ser (NM_147185.3); short protein forms L2001S, L216S.
Identifiers: ClinVar variation 940011 (VCV000940011.9), dbSNP rs1810583297, ClinGen allele CA368132360.
Genomic context (GRCh38, chr7:92,065,255, plus strand): 5'-GTGATTTAATTCAGTATATTTTGTATTAATAAACAGAATTACTACAGGAGACAGAAAAAT[T>C]AATGAAGGAAAAACTAGAAGTACAATGTCAAGCTGAAAAAGTACGTGATGACCTTCAAAA-3'
Protein context (NP_005742.4, residues 1991-2011): EQQLLQETEK[Leu2001Ser]MKEKLEVQCQ

ClinVar aggregate classification (germline): Uncertain significance (1 of 4 stars; one submission).

Conditions:
Long QT syndrome (LQTS). Identifiers: MedGen C0023976, MeSH D008133, MONDO:0002442. Disease mechanism: loss of function. Inheritance: Various modes of inheritance.

Submission:

Labcorp Genetics (formerly Invitae), Labcorp
Classification: Uncertain significance for Long QT syndrome. Last evaluated: 2019-09-08. Review status: criteria provided, single submitter. Criteria: Invitae Variant Classification Sherloc (09022015). Collection method: clinical testing. Allele origin: germline.
Comment: This sequence change replaces leucine with serine at codon 2001 of the AKAP9 protein (p.Leu2001Ser). The leucine residue is highly conserved and there is a large physicochemical difference between leucine and serine. This variant is not present in population databases (ExAC no frequency). This variant has not been reported in the literature in individuals with AKAP9-related conditions. Algorithms developed to predict the effect of missense changes on protein structure and function are either unavailable or do not agree on the potential impact of this missense change (SIFT: "Deleterious"; PolyPhen-2: "Probably Damaging"; Align-GVGD: "Class C0"). In summary, the available evidence is currently insufficient to determine the role of this variant in disease. Therefore, it has been classified as a Variant of Uncertain Significance.